The following is an entry in ClinVar:

NM_005591.4(MRE11):c.653A>G (p.Gln218Arg)

Gene: MRE11 (MRE11 double strand break repair nuclease; minus strand). Cytogenetic location: 11q21.
Variant type: single nucleotide variant.
Coding change: c.653A>G on transcript NM_005591.4 (MANE Select); coding-DNA position 653, A replaced by G.
Protein change: p.Gln218Arg; replaces glutamine 218 with arginine.
Molecular consequence: missense variant.
Genome position (GRCh38, 1-based): chr11:94,476,295, T>C on the plus strand (A>G on the coding strand, the complement: MRE11 is on the minus strand). VCF-style: chr11-94476295-T-C. GRCh37 (hg19) VCF-style: chr11-94209461-T-C.
Other names: p.Q218R:CAG>CGG; c.653A>G, p.Gln218Arg (NM_001330347.2, NM_005590.4); short protein forms Q218R.
Identifiers: ClinVar variation 127986 (VCV000127986.16), dbSNP rs587780144, ClinGen allele CA288184.

ClinVar aggregate classification (germline): Uncertain significance. Review status: criteria provided, multiple submitters, no conflicts (2 of 4 stars). 3 submissions from 3 submitters: Uncertain significance (3). Last evaluated 2025-04-18.

Conditions:
Ataxia-telangiectasia-like disorder (ATLD). Identifiers: MedGen C1858391, MONDO:0011457.
Hereditary cancer-predisposing syndrome. Also called: Hereditary neoplastic syndrome; Neoplastic Syndromes, Hereditary; Hereditary Cancer Syndrome; Tumor predisposition. Identifiers: Orphanet 140162, MedGen C0027672, MeSH D009386, MONDO:0015356.

Allele frequency attached by ClinVar (database versions not stated): gnomAD exomes below 0.00001; TOPMed below 0.00001; gnomAD 0.00001.
gnomAD v4.1: 3 of 1,608,018 alleles (0.00019%); highest among the groups gnomAD compares: Non-Finnish European, 0.00026%; no homozygotes.

Submissions (3):

Ambry Genetics
Classification: Uncertain significance for Hereditary cancer-predisposing syndrome. Last evaluated: 2025-04-18. Review status: criteria provided, single submitter. Criteria: Ambry Variant Classification Scheme 2023. Collection method: clinical testing. Allele origin: germline.
Comment: The p.Q218R variant (also known as c.653A>G), located in coding exon 6 of the MRE11A gene, results from an A to G substitution at nucleotide position 653. The glutamine at codon 218 is replaced by arginine, an amino acid with highly similar properties. This amino acid position is highly conserved in available vertebrate species. In addition, this alteration is predicted to be deleterious by in silico analysis. Since supporting evidence is limited at this time, the clinical significance of this alteration remains unclear.

Labcorp Genetics (formerly Invitae), Labcorp
Classification: Uncertain significance for Ataxia-telangiectasia-like disorder. Last evaluated: 2016-08-09. Review status: criteria provided, single submitter. Criteria: Invitae Variant Classification Sherloc (09022015). Collection method: clinical testing. Allele origin: germline.
Comment: In summary, this variant is a rare missense change with uncertain impact on protein function. There is no indication that it causes disease, but the available evidence is currently insufficient to prove that conclusively. Therefore, it has been classified as a Variant of Uncertain Significance. Algorithms developed to predict the effect of missense changes on protein structure and function (SIFT, PolyPhen-2, Align-GVGD) all suggest that this variant is likely to be disruptive, but these predictions have not been confirmed by published functional studies. This variant is not present in population databases (ExAC no frequency) and has not been reported in the literature in individuals with a MRE11A-related disease. ClinVar contains an entry for this variant (Variation ID: 127986). This sequence change replaces glutamine with arginine at codon 218 of the MRE11A protein (p.Gln218Arg). The glutamine residue is highly conserved and there is a small physicochemical difference between glutamine and arginine.

GeneDx
Classification: Uncertain significance. Last evaluated: 2014-01-28. Review status: criteria provided, single submitter. Criteria: GeneDx Variant Classification (06012015). Collection method: clinical testing. Allele origin: germline. Affected: yes.
Comment: MRE11A has been only recently described in association with cancer predisposition and the risks are not well understood. This variant is denoted MRE11A c.653A>G at the cDNA level, p.Gln218Arg (Q218R) at the protein level, and results in the change of a Glutamine to an Arginine (CAG>CGG). This variant has not, to our knowledge, been published in the literature as pathogenic or benign. MRE11A Gln218Arg was not observed in approximately 6,500 individuals of European and African American ancestry in the NHLBI Exome Sequencing Project, indicating it is not a common benign variant in these populations. This variant is a semi-conservative substitution in which a neutral polar amino acid is replaced with a positive polar one, altering a position that is well conserved throughout evolution and is located within the Nuclease I-V domain (Stracker 2011). Multiple in silico algorithms predict that this variant may be damaging to protein structure and function. On a molecular level, the impact of this missense variant on protein structure and function is not known and thus we consider this to be a variant of uncertain significance. Furthermore, based on the currently available information, cancer risks associated with this variant, and the MRE11A gene, remain unclear.